The following is an entry in ClinVar:

NM_000237.3(LPL):c.678A>G (p.Pro226=)

Gene: LPL (lipoprotein lipase; plus strand). Cytogenetic location: 8p21.3.
Variant type: single nucleotide variant.
Coding change: c.678A>G on transcript NM_000237.3 (MANE Select); coding-DNA position 678, A replaced by G.
Protein change: p.Pro226=; no amino-acid change (proline 226 retained).
Molecular consequence: synonymous variant.
Genome position (GRCh38, 1-based): chr8:19,954,256, A>G. VCF-style: chr8-19954256-A-G. GRCh37 (hg19) VCF-style: chr8-19811767-A-G.
Identifiers: ClinVar variation 362411 (VCV000362411.19), dbSNP rs558390128, ClinGen allele CA4655490.
Genomic context (GRCh38, chr8:19,954,256, plus strand): 5'-AGACGTCTTACACACATTCACCAGAGGGTCCCCTGGTCGAAGCATTGGAATCCAGAAACC[A>G]GTTGGGCATGTTGACATTTACCCGAATGGAGGTACTTTTCAGCCAGGATGTAACATTGGA-3'
Protein context (NP_000228.1, residues 216-236): SPGRSIGIQK[Pro226=]VGHVDIYPNG

ClinVar aggregate classification (germline): Benign/Likely benign. Review status: criteria provided, multiple submitters, no conflicts (2 of 4 stars). 7 submissions from 7 submitters: Benign (5); Likely benign (1). 1 of the submissions does not count toward it. Last evaluated 2026-02-02.

Conditions:
Cardiovascular phenotype. Identifiers: MedGen CN230736.
Hyperlipoproteinemia, type I. Also called: Lipoprotein Lipase Deficiency; Lipase D deficiency; Familial hyperlipo-proteinemia type 1; Hyperlipemia essential familial; Familial Lipoprotein Lipase Deficiency; Hyperlipoproteinemia type 1. Identifiers: Orphanet 309015, Orphanet 444490, MedGen C0023817, MONDO:0009387, OMIM 238600. Disease mechanism: loss of function.

Allele frequency attached by ClinVar (database versions not stated): gnomAD below 0.00001 and 0.00049; gnomAD exomes 0.00213 and 0.00102; ExAC 0.00247; TOPMed 0.00011; 1000 Genomes Project 30x 0.00312; 1000 Genomes Project 0.00339.
gnomAD v4.1: 1,554 of 1,614,196 alleles (0.096%); highest among the groups gnomAD compares: South Asian, 1.6%; 22 homozygotes.

Submissions (7):

Labcorp Genetics (formerly Invitae), Labcorp
Classification: Benign. Last evaluated: 2026-02-02. Review status: criteria provided, single submitter. Criteria: Invitae Variant Classification Sherloc (09022015). Collection method: clinical testing. Allele origin: germline.

Molecular Diagnostic Laboratory for Inherited Cardiovascular Disease, Montreal Heart Institute
Classification: Benign. Last evaluated: 2025-04-09. Review status: criteria provided, single submitter. Criteria: ACMG Guidelines, 2015. Collection method: clinical testing. Allele origin: germline. Affected: no.
Comment: BS1;BP6;BP7

Ambry Genetics
Classification: Likely benign for Cardiovascular phenotype. Last evaluated: 2022-02-21. Review status: criteria provided, single submitter. Criteria: Ambry Variant Classification Scheme 2023. Collection method: clinical testing. Allele origin: germline.

GeneDx
Classification: Benign. Last evaluated: 2021-04-26. Review status: criteria provided, single submitter. Criteria: GeneDx Variant Classification Process June 2021. Collection method: clinical testing. Allele origin: germline. Affected: yes.

Illumina Laboratory Services, Illumina
Classification: Benign for Hyperlipoproteinemia, type I. Last evaluated: 2018-01-13. Review status: criteria provided, single submitter. Criteria: ICSL Variant Classification Criteria 13 December 2019. Collection method: clinical testing. Allele origin: germline.
Comment: This variant was observed in the ICSL laboratory as part of a predisposition screen in an ostensibly healthy population. It had not been previously curated by ICSL or reported in the Human Gene Mutation Database (HGMD: prior to June 1st, 2018), and was therefore a candidate for classification through an automated scoring system. Utilizing variant allele frequency, disease prevalence and penetrance estimates, and inheritance mode, an automated score was calculated to assess if this variant is too frequent to cause the disease. Based on the score and internal cut-off values, a variant classified as benign is not then subjected to further curation. The score for this variant resulted in a classification of benign for this disease.

Women's Health and Genetics/Laboratory Corporation of America, LabCorp
Classification: Benign. Last evaluated: 2017-06-07. Review status: criteria provided, single submitter. Criteria: LabCorp Variant Classification Summary - May 2015. Collection method: clinical testing. Allele origin: germline.
Comment: Variant summary: The LPL c.678A>G (p.Pro226Pro) variant involves the alteration of a non-conserved nucleotide, resulting in a synonymous change. 4/5 splice prediction tools predict no significant impact on normal splicing. ESE finder predicts that this variant may affect ESE site of SF2/ASF. This variant was found in 300/121406 control chromosomes (6 homozygotes), predominantly observed in the South Asian subpopulation at a frequency of 0.01805 (298/16510). This frequency is about 5.4 times the estimated maximal expected allele frequency of a pathogenic LPL variant (0.0033541), suggesting this is likely a benign polymorphism found primarily in the populations of South Asian origin. The variant of interest has not been reported in affected individuals via publications. Taken together, this variant is classified as benign.

Natera, Inc.
Classification: Benign for Lipoprotein lipase deficiency. Last evaluated: 2020-04-14. Review status: no assertion criteria provided. Collection method: clinical testing. Allele origin: germline. Not counted in ClinVar's aggregate classification.